The following is an entry in ClinVar:

ClinVar aggregate classification (germline): Likely benign (0 of 4 stars; one submission).

Conditions:
FSIP2-related disorder. Also called: FSIP2-related condition.

Allele frequency attached by ClinVar (database versions not stated): ExAC 0.00117; gnomAD 0.00596; TOPMed 0.00676; 1000 Genomes Project 0.00759; 1000 Genomes Project 30x 0.00828.
gnomAD v4.1: 1,712 of 1,526,206 alleles (0.11%); highest among the groups gnomAD compares: African/African-American, 2.1%; 22 homozygotes.

Submission:

PreventionGenetics, part of Exact Sciences
Classification: Likely benign for FSIP2-related condition. Last evaluated: 2019-03-06. Review status: no assertion criteria provided. Collection method: clinical testing. Allele origin: germline.
Comment: This variant is classified as likely benign based on ACMG/AMP sequence variant interpretation guidelines (Richards et al. 2015 PMID: 25741868, with internal and published modifications).

NM_173651.4(FSIP2):c.13987C>T (p.His4663Tyr)

Gene: FSIP2 (fibrous sheath interacting protein 2; plus strand). Cytogenetic location: 2q32.1.
Variant type: single nucleotide variant.
Coding change: c.13987C>T on transcript NM_173651.4 (MANE Select); coding-DNA position 13987, C replaced by T.
Protein change: p.His4663Tyr; replaces histidine 4663 with tyrosine.
Molecular consequence: missense variant.
Genome position (GRCh38, 1-based): chr2:185,803,293, C>T. VCF-style: chr2-185803293-C-T. GRCh37 (hg19) VCF-style: chr2-186668020-C-T.
Other names: short protein forms H4663Y.
Identifiers: ClinVar variation 3053724 (VCV003053724.2), dbSNP rs11896636, ClinGen allele CA2017057.